The following is an entry in ClinVar:

NM_002860.4(ALDH18A1):c.88C>T (p.His30Tyr)

Gene: ALDH18A1 (aldehyde dehydrogenase 18 family member A1; minus strand). Cytogenetic location: 10q24.1.
Variant type: single nucleotide variant.
Coding change: c.88C>T on transcript NM_002860.4 (MANE Select); coding-DNA position 88, C replaced by T.
Protein change: p.His30Tyr; replaces histidine 30 with tyrosine.
Molecular consequence: missense variant. On other transcripts: 5 prime UTR variant (4).
Genome position (GRCh38, 1-based): chr10:95,653,290, G>A on the plus strand (C>T on the coding strand, the complement: ALDH18A1 is on the minus strand). VCF-style: chr10-95653290-G-A. GRCh37 (hg19) VCF-style: chr10-97413047-G-A.
Other names: c.88C>T, p.His30Tyr (NM_001017423.2, NM_001323413.2, NM_001323414.2 and 2 more transcripts); c.-31C>T (NM_001323412.2, NM_001323416.2, NM_001323418.2); c.-79C>T (NM_001323419.2); short protein forms H30Y.
Identifiers: ClinVar variation 1344283 (VCV001344283.10), dbSNP rs113678237, ClinGen allele CA5620702.

ClinVar aggregate classification (germline): Uncertain significance. Review status: criteria provided, multiple submitters, no conflicts (2 of 4 stars). 3 submissions from 3 submitters: Uncertain significance (3). Last evaluated 2025-05-04.

Conditions:
de Barsy syndrome. Also called: Cutis laxa-corneal clouding-oligophrenia syndrome. Identifiers: Orphanet 2962, MedGen C0268354, MONDO:0017569.
Cutis laxa, autosomal dominant 3 (ADCL3). Identifiers: Orphanet 90348, MedGen C4225268, MONDO:0014706, OMIM 616603.
Autosomal dominant spastic paraplegia type 9. Identifiers: MedGen C1832669, MONDO:0015091.
Hereditary spastic paraplegia. Also called: Familial spastic paraparesis. Identifiers: Orphanet 685, MedGen C0037773, MONDO:0019064. Disease mechanism: loss of function.

Allele frequency attached by ClinVar (database versions not stated): gnomAD exomes 0.00001 and 0.00003; gnomAD 0.00004 and 0.00005; TOPMed 0.00008; ExAC 0.00001.
gnomAD v4.1: 74 of 1,610,250 alleles (0.0046%); highest among the groups gnomAD compares: African/African-American, 0.051%; 1 homozygote.

Submissions (3):

Labcorp Genetics (formerly Invitae), Labcorp
Classification: Uncertain significance for Autosomal dominant spastic paraplegia type 9; de Barsy syndrome; Cutis laxa, autosomal dominant 3. Last evaluated: 2025-05-04. Review status: criteria provided, single submitter. Criteria: Invitae Variant Classification Sherloc (09022015). Collection method: clinical testing. Allele origin: germline.
Comment: This sequence change replaces histidine, which is basic and polar, with tyrosine, which is neutral and polar, at codon 30 of the ALDH18A1 protein (p.His30Tyr). This variant is present in population databases (rs113678237, gnomAD 0.01%). This variant has not been reported in the literature in individuals affected with ALDH18A1-related conditions. ClinVar contains an entry for this variant (Variation ID: 1344283). An algorithm developed to predict the effect of missense changes on protein structure and function outputs the following: PolyPhen-2: "Benign". The tyrosine amino acid residue is found in multiple mammalian species, which suggests that this missense change does not adversely affect protein function. In summary, the available evidence is currently insufficient to determine the role of this variant in disease. Therefore, it has been classified as a Variant of Uncertain Significance.

Genome Diagnostics Laboratory, The Hospital for Sick Children
Classification: Uncertain significance for Hereditary spastic paraplegia. Last evaluated: 2016-12-12. Review status: criteria provided, single submitter. Criteria: ACMG Guidelines, 2015. Collection method: clinical testing. Allele origin: germline. Affected: yes.

Breakthrough Genomics
Classification: Uncertain significance. Review status: criteria provided, single submitter. Criteria: ACMG Guidelines, 2015. Collection method: not provided. Allele origin: germline. Inheritance: Autosomal recessive inheritance. Affected: yes.